The following is an entry in ClinVar:

NM_002661.5(PLCG2):c.2235+5G>A

Gene: PLCG2 (phospholipase C gamma 2; plus strand). Cytogenetic location: 16q23.3.
Variant type: single nucleotide variant.
Coding change: c.2235+5G>A on transcript NM_002661.5 (MANE Select); 5 bases into the intron after coding-DNA position 2235, G replaced by A.
Molecular consequence: intron variant.
Genome position (GRCh38, 1-based): chr16:81,919,669, G>A. VCF-style: chr16-81919669-G-A. GRCh37 (hg19) VCF-style: chr16-81953274-G-A.
Identifiers: ClinVar variation 662773 (VCV000662773.7), dbSNP rs756659964, ClinGen allele CA8194129.

ClinVar aggregate classification (germline): Uncertain significance. Review status: criteria provided, multiple submitters, no conflicts (2 of 4 stars). 2 submissions from 2 submitters: Uncertain significance (2). Last evaluated 2023-06-01.

Conditions:
Familial cold autoinflammatory syndrome 3 (FCAS3). Also called: FAMILIAL ATYPICAL COLD URTICARIA; ANTIBODY DEFICIENCY AND IMMUNE DYSREGULATION, PLCG2-ASSOCIATED. Identifiers: Orphanet 300359, MedGen C3280914, MONDO:0013766, OMIM 614468.

Allele frequency attached by ClinVar (database versions not stated): gnomAD exomes below 0.00001; ExAC 0.00001; gnomAD 0.00003 and 0.00004; TOPMed 0.00004.
gnomAD v4.1: 6 of 1,607,980 alleles (0.00037%); highest among the groups gnomAD compares: African/African-American, 0.008%; no homozygotes.

Submissions (2):

Blueprint Genetics
Classification: Uncertain significance. Last evaluated: 2023-06-01. Review status: criteria provided, single submitter. Criteria: ACMG Guidelines, 2015. Collection method: clinical testing. Allele origin: germline.

Labcorp Genetics (formerly Invitae), Labcorp
Classification: Uncertain significance for Familial cold autoinflammatory syndrome 3. Last evaluated: 2022-06-04. Review status: criteria provided, single submitter. Criteria: Invitae Variant Classification Sherloc (09022015). Collection method: clinical testing. Allele origin: germline.
Comment: This sequence change falls in intron 20 of the PLCG2 gene. It does not directly change the encoded amino acid sequence of the PLCG2 protein. It affects a nucleotide within the consensus splice site. This variant is present in population databases (rs756659964, gnomAD 0.007%). This variant has not been reported in the literature in individuals affected with PLCG2-related conditions. ClinVar contains an entry for this variant (Variation ID: 662773). Variants that disrupt the consensus splice site are a relatively common cause of aberrant splicing (PMID: 17576681, 9536098). Algorithms developed to predict the effect of sequence changes on RNA splicing suggest that this variant may create or strengthen a splice site. In summary, the available evidence is currently insufficient to determine the role of this variant in disease. Therefore, it has been classified as a Variant of Uncertain Significance.

Literature cited by the submitters: PubMed 17576681 (cited by Labcorp Genetics (formerly Invitae), Labcorp); PubMed 9536098 (cited by Labcorp Genetics (formerly Invitae), Labcorp).